The following is an entry in ClinVar:

ClinVar aggregate classification (germline): Uncertain significance (1 of 4 stars; one submission).

Conditions:
Congenital muscular dystrophy due to integrin alpha-7 deficiency. Also called: MYOPATHY, CONGENITAL, DUE TO INTEGRIN ALPHA-7 DEFICIENCY; Congenital muscular dystrophy with integrin alpha-7 deficiency; Muscular dystrophy, congenital, due to ITGA7 deficiency. Identifiers: Orphanet 34520, MedGen C2750786, MONDO:0013177, OMIM 613204.

gnomAD v4.1: 1 of 1,614,122 alleles (0.000062%); highest among the groups gnomAD compares: Non-Finnish European, 0.000085%; no homozygotes.

Submission:

Labcorp Genetics (formerly Invitae), Labcorp
Classification: Uncertain significance for Congenital muscular dystrophy due to integrin alpha-7 deficiency. Last evaluated: 2022-04-01. Review status: criteria provided, single submitter. Criteria: Invitae Variant Classification Sherloc (09022015). Collection method: clinical testing. Allele origin: germline.
Comment: This variant has not been reported in the literature in individuals affected with ITGA7-related conditions. This sequence change replaces valine, which is neutral and non-polar, with leucine, which is neutral and non-polar, at codon 1040 of the ITGA7 protein (p.Val1040Leu). This variant is present in population databases (rs764565180, gnomAD 0.0009%). Algorithms developed to predict the effect of missense changes on protein structure and function (SIFT, PolyPhen-2, Align-GVGD) all suggest that this variant is likely to be tolerated. In summary, the available evidence is currently insufficient to determine the role of this variant in disease. Therefore, it has been classified as a Variant of Uncertain Significance.

NM_002206.3(ITGA7):c.3118G>C (p.Val1040Leu)

Gene: ITGA7 (integrin subunit alpha 7; minus strand). Cytogenetic location: 12q13.2.
Variant type: single nucleotide variant.
Coding change: c.3118G>C on transcript NM_002206.3 (MANE Select); coding-DNA position 3118, G replaced by C.
Protein change: p.Val1040Leu; replaces valine 1040 with leucine.
Molecular consequence: missense variant.
Genome position (GRCh38, 1-based): chr12:55,688,036, C>G on the plus strand (G>C on the coding strand, the complement: ITGA7 is on the minus strand). VCF-style: chr12-55688036-C-G. GRCh37 (hg19) VCF-style: chr12-56081820-C-G.
Other names: c.3100G>C, p.Val1034Leu (NM_001374465.1); c.3250G>C, p.Val1084Leu (NM_001410977.1); c.3112G>C, p.Val1038Leu (NM_001414029.1); c.3043G>C, p.Val1015Leu (NM_001414030.1); c.3031G>C, p.Val1011Leu (NM_001414031.1); c.2998G>C, p.Val1000Leu (NM_001414032.1); c.2935G>C, p.Val979Leu (NM_001414033.1); c.2893G>C, p.Val965Leu (NM_001414034.1); and 5 more; short protein forms V1011L, V1038L, V931L, V947L, V979L, V1015L, V1084L, V592L.
Identifiers: ClinVar variation 1900184 (VCV001900184.5), dbSNP rs764565180, ClinGen allele CA6615339.
Genomic context (GRCh38, chr12:55,688,036, plus strand): 5'-ACAGGAGCAGCACCAGCAGTGCTAGCACCAGCAGCCCAGCCAGTACAGCCAGGAGGATGA[C>G]CCACCAGGGCACTCCTTCTGCCACCACAGCCATGGGGTCCAAGTATACCATCACTGGGAT-3'
Protein context (NP_002197.2, residues 1030-1050): AVVAEGVPWW[Val1040Leu]ILLAVLAGLL